The following is an entry in ClinVar:

ClinVar aggregate classification (germline): Uncertain significance (1 of 4 stars; one submission).

Allele frequency attached by ClinVar (database versions not stated): gnomAD 0.00001; TOPMed 0.00001.
gnomAD v4.1: 2 of 1,613,970 alleles (0.00012%); highest among the groups gnomAD compares: Non-Finnish European, 0.00017%; no homozygotes.

Submission:

Labcorp Genetics (formerly Invitae), Labcorp
Classification: Uncertain significance. Last evaluated: 2022-04-13. Review status: criteria provided, single submitter. Criteria: Invitae Variant Classification Sherloc (09022015). Collection method: clinical testing. Allele origin: germline.
Comment: This sequence change replaces aspartic acid, which is acidic and polar, with valine, which is neutral and non-polar, at codon 449 of the ADAMTSL4 protein (p.Asp449Val). This variant is not present in population databases (gnomAD no frequency). This variant has not been reported in the literature in individuals affected with ADAMTSL4-related conditions. Algorithms developed to predict the effect of missense changes on protein structure and function (SIFT, PolyPhen-2, Align-GVGD) all suggest that this variant is likely to be disruptive. In summary, the available evidence is currently insufficient to determine the role of this variant in disease. Therefore, it has been classified as a Variant of Uncertain Significance.

NM_019032.6(ADAMTSL4):c.1346A>T (p.Asp449Val)

Genes: ADAMTSL4 (ADAMTS like 4; plus strand), ADAMTSL4-AS2 (ADAMTSL4 antisense RNA 2; minus strand). Cytogenetic location: 1q21.2.
Variant type: single nucleotide variant.
Coding change: c.1346A>T on transcript NM_019032.6 (MANE Select); coding-DNA position 1346, A replaced by T.
Protein change: p.Asp449Val; replaces aspartic acid 449 with valine.
Molecular consequence: missense variant.
Genome position (GRCh38, 1-based): chr1:150,555,540, A>T. VCF-style: chr1-150555540-A-T. GRCh37 (hg19) VCF-style: chr1-150528016-A-T.
Other names: c.1415A>T, p.Asp472Val (NM_001288607.2, NM_001288608.2); c.1346A>T, p.Asp449Val (NM_001378596.1, NM_025008.5); short protein forms D472V, D449V.
Identifiers: ClinVar variation 2104479 (VCV002104479.1), dbSNP rs1173114031, ClinGen allele CA342307838.
Genomic context (GRCh38, chr1:150,555,540, plus strand): 5'-TCTATGTCCGTCACACTGAAAAGGTCCAGGATGGGACCCTGTGTCAGCCTGGAGCCCCTG[A>T]CATCTGTGTGGCTGGACGCTGTCTGGTGAGGGAAGACAGTGTGTGTGTGCACACACACAT-3'
Protein context (NP_061905.2, residues 439-459): DGTLCQPGAP[Asp449Val]ICVAGRCLSP